The following is an entry in ClinVar:

ClinVar aggregate classification (germline): Likely pathogenic. Review status: criteria provided, multiple submitters, no conflicts (2 of 4 stars). 4 submissions from 4 submitters: Likely pathogenic (2). 2 of the submissions do not count toward it. Last evaluated 2025-05-27.

Conditions:
Retinitis pigmentosa (RP). Identifiers: Orphanet 791, MedGen C0035334, MeSH D012174, MONDO:0019200, OMIM 268000. Inheritance: Autosomal dominant, autosomal recessive and X linked inheritance.
Retinitis pigmentosa 2 (RP2). Also called: Retinitis pigmentosa 2, X linked. Identifiers: Orphanet 791, MedGen C2681923, MONDO:0010723, OMIM 312600.

Submissions (4):

3billion
Classification: Likely pathogenic for Retinitis pigmentosa 2. Last evaluated: 2025-05-27. Review status: criteria provided, single submitter. Criteria: ACMG Guidelines, 2015. Collection method: clinical testing. Allele origin: germline. Affected: yes.
Comment: The variant is not observed in the gnomAD v4.1.0 dataset. Predicted Consequence/Location: Inframe deletion located in a nonrepeat region: predicted to change the length of the protein and disrupt normal protein function. Functional studies provide strong evidence of the variant having a damaging effect on the gene or gene product (PMID: 10942419, 28209709). The variant has been reported to be associated with RP2-related disorder (ClinVar ID: VCV000010544 /PMID: 9697692 /3billion dataset). Therefore, this variant is classified as Likely pathogenic according to the recommendation of ACMG/AMP guideline.

Labcorp Genetics (formerly Invitae), Labcorp
Classification: Likely pathogenic. Last evaluated: 2022-10-26. Review status: criteria provided, single submitter. Criteria: Invitae Variant Classification Sherloc (09022015). Collection method: clinical testing. Allele origin: germline.
Comment: This variant is also known as del Ser6, S6del, ∆Ser6, ∆S6. This variant has been observed in individuals with X-linked retinitis pigmentosa (PMID: 9697692, 10520237, 17724181, 30718709; Invitae). It has also been observed to segregate with disease in related individuals. This variant is present in population databases (rs137852284, gnomAD 0.01%), including at least one homozygous and/or hemizygous individual. This variant, c.16_18del, results in the deletion of 1 amino acid(s) of the RP2 protein (p.Ser6del), but otherwise preserves the integrity of the reading frame. Experimental studies have shown that this variant affects RP2 function (PMID: 10942419, 28209709). Algorithms developed to predict the effect of variants on protein structure and function are not available or were not evaluated for this variant. ClinVar contains an entry for this variant (Variation ID: 10544). In summary, the currently available evidence indicates that the variant is pathogenic, but additional data are needed to prove that conclusively. Therefore, this variant has been classified as Likely Pathogenic.

Department of Clinical Genetics, Copenhagen University Hospital, Rigshospitalet
Classification: Pathogenic for Retinitis pigmentosa. Last evaluated: 2018-04-01. Review status: no assertion criteria provided. Collection method: research. Allele origin: unknown. Affected: yes. Study: VeluxRD. Not counted in ClinVar's aggregate classification.

OMIM
Classification: Pathogenic for RETINITIS PIGMENTOSA 2. Last evaluated: 2000-08-12. Review status: no assertion criteria provided. Collection method: literature only. Allele origin: germline. Not counted in ClinVar's aggregate classification.

Literature cited by the submitters: PubMed 10942419 (cited by 3 submitters); PubMed 9697692 (cited by 3 submitters); PubMed 28209709 (cited by 3billion and Labcorp Genetics (formerly Invitae), Labcorp); PubMed 10520237 (cited by Labcorp Genetics (formerly Invitae), Labcorp); PubMed 17724181 (cited by Labcorp Genetics (formerly Invitae), Labcorp); PubMed 30718709 (cited by Labcorp Genetics (formerly Invitae), Labcorp and Department of Clinical Genetics, Copenhagen University Hospital, Rigshospitalet).

NM_006915.3(RP2):c.16_18del (p.Ser6del)

Genes: RP2 (RP2 activator of ARL3 GTPase; plus strand), LOC130068202 (ATAC-STARR-seq lymphoblastoid active region 29577; plus strand). Cytogenetic location: Xp11.3.
Variant type: Deletion.
Coding change: c.16_18del on transcript NM_006915.3 (MANE Select); coding-DNA positions 16 to 18, 3 bases deleted (TCC; older notation c.16_18delTCC).
Protein change: p.Ser6del; deletes serine 6.
Molecular consequence: inframe deletion.
Genome position (GRCh38, 1-based): chrX:46,837,116-46,837,118, TCC deleted; deleting any 3 consecutive bases within chrX:46,837,115-46,837,118 gives the same sequence; the c. name uses the placement nearest the transcript's 3' end. VCF-style (leftmost placement, unchanged base first): chrX-46837114-TCTC-T. GRCh37 (hg19) VCF-style: chrX-46696549-TCTC-T.
Other names: short protein forms S6del.
Identifiers: ClinVar variation 10544 (VCV000010544.9), dbSNP rs137852284, ClinGen allele CA255297.